The following is an entry in ClinVar:

ClinVar aggregate classification (germline): Likely benign. Review status: criteria provided, multiple submitters, no conflicts (2 of 4 stars). 2 submissions from 2 submitters: Likely benign (2). Last evaluated 2024-09-14.

Allele frequency attached by ClinVar (database versions not stated): gnomAD exomes 0.00006; gnomAD 0.00009; TOPMed 0.00012; ESP Exome Variant Server 0.00015; ExAC 0.00025.
gnomAD v4.1: 100 of 1,612,212 alleles (0.0062%); highest among the groups gnomAD compares: Middle Eastern, 0.033%; no homozygotes.

Submissions (2):

Labcorp Genetics (formerly Invitae), Labcorp
Classification: Likely benign. Last evaluated: 2024-09-14. Review status: criteria provided, single submitter. Criteria: Invitae Variant Classification Sherloc (09022015). Collection method: clinical testing. Allele origin: germline.

CeGaT Center for Human Genetics Tuebingen
Classification: Likely benign. Last evaluated: 2023-05-01. Review status: criteria provided, single submitter. Criteria: CeGaT Center For Human Genetics Tuebingen Variant Classification Criteria Version 2. Collection method: clinical testing. Allele origin: germline. Affected: yes. Observed: 1 variant allele.
Comment: INPPL1: BP4, BP7

NM_001567.4(INPPL1):c.1005C>T (p.Ser335=)

Gene: INPPL1 (inositol polyphosphate phosphatase like 1; plus strand). Cytogenetic location: 11q13.4.
Variant type: single nucleotide variant.
Coding change: c.1005C>T on transcript NM_001567.4 (MANE Select); coding-DNA position 1005, C replaced by T.
Protein change: p.Ser335=; no amino-acid change (serine 335 retained).
Molecular consequence: synonymous variant.
Genome position (GRCh38, 1-based): chr11:72,230,186, C>T. VCF-style: chr11-72230186-C-T. GRCh37 (hg19) VCF-style: chr11-71941230-C-T.
Identifiers: ClinVar variation 1981786 (VCV001981786.28), dbSNP rs149496279, ClinGen allele CA6169860.